The following is an entry in ClinVar:

NM_006521.6(TFE3):c.1527C>T (p.His509=)

Gene: TFE3 (transcription factor binding to IGHM enhancer 3; minus strand). Cytogenetic location: Xp11.23.
Variant type: single nucleotide variant.
Coding change: c.1527C>T on transcript NM_006521.6 (MANE Select); coding-DNA position 1527, C replaced by T.
Protein change: p.His509=; no amino-acid change (histidine 509 retained).
Molecular consequence: synonymous variant.
Genome position (GRCh38, 1-based): chrX:49,030,359, G>A on the plus strand (C>T on the coding strand, the complement: TFE3 is on the minus strand). VCF-style: chrX-49030359-G-A. GRCh37 (hg19) VCF-style: chrX-48887870-G-A.
Other names: c.1212C>T, p.His404= (NM_001282142.2).
Identifiers: ClinVar variation 3772426 (VCV003772426.13).

ClinVar aggregate classification (germline): Likely benign (1 of 4 stars; one submission).

Submission:

CeGaT Center for Human Genetics Tuebingen
Classification: Likely benign. Last evaluated: 2025-02-01. Review status: criteria provided, single submitter. Criteria: CeGaT Center For Human Genetics Tuebingen Variant Classification Criteria Version 2. Collection method: clinical testing. Allele origin: germline. Affected: yes. Observed: 1 variant allele.
Comment: TFE3: PM2:Supporting, BP4, BP7